The following is an entry in ClinVar:

NM_014956.5(CEP164):c.678T>G (p.Ser226Arg)

Gene: CEP164 (centrosomal protein 164; plus strand). Cytogenetic location: 11q23.3.
Variant type: single nucleotide variant.
Coding change: c.678T>G on transcript NM_014956.5 (MANE Select); coding-DNA position 678, T replaced by G.
Protein change: p.Ser226Arg; replaces serine 226 with arginine.
Molecular consequence: missense variant.
Genome position (GRCh38, 1-based): chr11:117,362,529, T>G. VCF-style: chr11-117362529-T-G. GRCh37 (hg19) VCF-style: chr11-117233245-T-G.
Other names: c.678T>G (NM_014956.4); c.678T>G, p.Ser226Arg (NM_001271933.2); short protein forms S226R.
Identifiers: ClinVar variation 1421421 (VCV001421421.8), dbSNP rs199924960, ClinGen allele CA6294542.

ClinVar aggregate classification (germline): Uncertain significance. Review status: criteria provided, multiple submitters, no conflicts (2 of 4 stars). 4 submissions from 4 submitters: Uncertain significance (4). Last evaluated 2025-02-25.

Conditions:
Inborn genetic diseases. Identifiers: MedGen C0950123, MeSH D030342.
CEP164-related disorder. Also called: CEP164-related condition.
Nephronophthisis 15 (NPHP15). Identifiers: Orphanet 3156, MedGen C3541853, MONDO:0013917, OMIM 614845.

Allele frequency attached by ClinVar (database versions not stated): gnomAD 0.00001 and 0.00003; gnomAD exomes 0.00001 and 0.00008; TOPMed 0.00005; ExAC 0.00007; 1000 Genomes Project 30x 0.00047; 1000 Genomes Project 0.00060.
gnomAD v4.1: 26 of 1,613,260 alleles (0.0016%); highest among the groups gnomAD compares: East Asian, 0.056%; no homozygotes.

Submissions (4):

PreventionGenetics, part of Exact Sciences
Classification: Uncertain significance for CEP164-related condition. Last evaluated: 2025-02-25. Review status: criteria provided, single submitter. Criteria: ACMG Guidelines, 2015. Collection method: clinical testing. Allele origin: germline.
Comment: The CEP164 c.678T>G variant is predicted to result in the amino acid substitution p.Ser226Arg. To our knowledge, this variant has not been reported in the literature. This variant is reported in 0.11% of alleles in individuals of East Asian descent in gnomAD. Although we suspect that this variant may be benign, at this time, the clinical significance of this variant is uncertain due to the absence of conclusive functional and genetic evidence.

Fulgent Genetics
Classification: Uncertain significance for Nephronophthisis 15. Last evaluated: 2024-05-21. Review status: criteria provided, single submitter. Criteria: ACMG Guidelines, 2015. Collection method: clinical testing. Allele origin: germline.

Ambry Genetics
Classification: Uncertain significance for Inborn genetic diseases. Last evaluated: 2023-11-27. Review status: criteria provided, single submitter. Criteria: Ambry Variant Classification Scheme 2023. Collection method: clinical testing. Allele origin: germline.

Labcorp Genetics (formerly Invitae), Labcorp
Classification: Uncertain significance for Nephronophthisis 15. Last evaluated: 2022-02-21. Review status: criteria provided, single submitter. Criteria: Invitae Variant Classification Sherloc (09022015). Collection method: clinical testing. Allele origin: germline.
Comment: This sequence change replaces serine, which is neutral and polar, with arginine, which is basic and polar, at codon 226 of the CEP164 protein (p.Ser226Arg). This variant is present in population databases (rs199924960, gnomAD 0.1%). This variant has not been reported in the literature in individuals affected with CEP164-related conditions. Algorithms developed to predict the effect of missense changes on protein structure and function (SIFT, PolyPhen-2, Align-GVGD) all suggest that this variant is likely to be disruptive. In summary, the available evidence is currently insufficient to determine the role of this variant in disease. Therefore, it has been classified as a Variant of Uncertain Significance.